The following is an entry in ClinVar:

NM_173689.7(CRB2):c.3751C>T (p.Arg1251Cys)

Gene: CRB2 (crumbs cell polarity complex component 2; plus strand). Cytogenetic location: 9q33.3.
Variant type: single nucleotide variant.
Coding change: c.3751C>T on transcript NM_173689.7 (MANE Select); coding-DNA position 3751, C replaced by T.
Protein change: p.Arg1251Cys; replaces arginine 1251 with cysteine.
Molecular consequence: missense variant. On other transcripts: non-coding transcript variant (1).
Genome position (GRCh38, 1-based): chr9:123,376,955, C>T. VCF-style: chr9-123376955-C-T. GRCh37 (hg19) VCF-style: chr9-126139234-C-T.
Other names: c.3751C>T (NM_173689.5, NM_173689.6); short protein forms R1251C.
Identifiers: ClinVar variation 1393984 (VCV001393984.12), dbSNP rs767416221, ClinGen allele CA5232606.

ClinVar aggregate classification (germline): Conflicting classifications of pathogenicity. Review status: criteria provided, conflicting classifications (1 of 4 stars). 4 submissions from 4 submitters: Likely pathogenic (1); Uncertain significance (3). Last evaluated 2026-09-07.

Conditions:
Inborn genetic diseases. Identifiers: MedGen C0950123, MeSH D030342.

Allele frequency attached by ClinVar (database versions not stated): gnomAD 0.00003 and 0.00004; gnomAD exomes 0.00005 and 0.00006; TOPMed 0.00006; ExAC 0.00009.

Submissions (4):

GeneDx
Classification: Uncertain significance. Last evaluated: 2026-09-07. Review status: criteria provided, single submitter. Criteria: GeneDx Variant Classification Process June 2021. Collection method: clinical testing. Allele origin: germline.
Comment: In silico analysis supports that this missense variant has a deleterious effect on protein structure/function; Has not been previously published as pathogenic or benign to our knowledge

Labcorp Genetics (formerly Invitae), Labcorp
Classification: Likely pathogenic. Last evaluated: 2025-10-29. Review status: criteria provided, single submitter. Criteria: Invitae Variant Classification Sherloc (09022015). Collection method: clinical testing. Allele origin: germline.
Comment: This sequence change replaces arginine, which is basic and polar, with cysteine, which is neutral and slightly polar, at codon 1251 of the CRB2 protein (p.Arg1251Cys). This variant is present in population databases (rs767416221, gnomAD 0.02%). This missense change has been observed in individual(s) with clinical features of focal segmental glomerulosclerosis (internal data). In at least one individual the data is consistent with being in trans (on the opposite chromosome) from a pathogenic variant. ClinVar contains an entry for this variant (Variation ID: 1393984). Invitae Evidence Modeling of protein sequence and biophysical properties (such as structural, functional, and spatial information, amino acid conservation, physicochemical variation, residue mobility, and thermodynamic stability) indicates that this missense variant is expected to disrupt CRB2 protein function with a positive predictive value of 95%. In summary, the currently available evidence indicates that the variant is pathogenic, but additional data are needed to prove that conclusively. Therefore, this variant has been classified as Likely Pathogenic.

Ambry Genetics
Classification: Uncertain significance for Inborn genetic diseases. Last evaluated: 2021-06-11. Review status: criteria provided, single submitter. Criteria: Ambry Variant Classification Scheme 2023. Collection method: clinical testing. Allele origin: germline.

Breakthrough Genomics
Classification: Uncertain significance. Review status: criteria provided, single submitter. Criteria: ACMG Guidelines, 2015. Collection method: not provided. Allele origin: germline. Inheritance: Autosomal recessive inheritance. Affected: yes.